The following is an entry in ClinVar:

ClinVar aggregate classification (germline): Conflicting classifications of pathogenicity. Review status: criteria provided, conflicting classifications (1 of 4 stars). 4 submissions from 4 submitters: Uncertain significance (3); Likely benign (1). Last evaluated 2025-12-09.

Conditions:
Ehlers-Danlos syndrome, classic type, 1 (EDSCL1). Also called: Ehlers-Danlos syndrome, type 1; EHLERS-DANLOS SYNDROME, GRAVIS TYPE; EHLERS-DANLOS SYNDROME, SEVERE CLASSIC TYPE; Ehlers-Danlos Syndrome, Classic Type, COL5A1-Related; EDS I. Identifiers: MedGen C0268335, MONDO:0019567, OMIM 130000.
Ehlers-Danlos syndrome, classic type, 2 (EDSCL2). Also called: Ehlers-Danlos syndrome, type 2; Ehlers-Danlos syndrome type 2 (formerly); Ehlers-Danlos Syndrome, Classic Type, COL5A2-Related. Identifiers: Orphanet 287, Orphanet 90318, MedGen C0268336, MONDO:0019568, OMIM 130010.
Familial thoracic aortic aneurysm and aortic dissection (TAAD). Also called: Thoracic aortic aneurysms and dissections. Identifiers: Orphanet 91387, MedGen C4707243, MONDO:0019625.

Allele frequency attached by ClinVar (database versions not stated): gnomAD exomes 0.00001; gnomAD 0.00002; ESP Exome Variant Server 0.00015; ExAC 0.00002; TOPMed 0.00002.
gnomAD v4.1: 23 of 1,605,832 alleles (0.0014%); highest among the groups gnomAD compares: Admixed American, 0.0017%; no homozygotes.

Submissions (4):

Labcorp Genetics (formerly Invitae), Labcorp
Classification: Likely benign for Ehlers-Danlos syndrome, classic type, 1. Last evaluated: 2025-12-09. Review status: criteria provided, single submitter. Criteria: Invitae Variant Classification Sherloc (09022015). Collection method: clinical testing. Allele origin: germline.

Ambry Genetics
Classification: Uncertain significance for Familial thoracic aortic aneurysm and aortic dissection. Last evaluated: 2025-04-03. Review status: criteria provided, single submitter. Criteria: Ambry Variant Classification Scheme 2023. Collection method: clinical testing. Allele origin: germline.
Comment: The p.R1114Q variant (also known as c.3341G>A), located in coding exon 47 of the COL5A2 gene, results from a G to A substitution at nucleotide position 3341. The arginine at codon 1114 is replaced by glutamine, an amino acid with highly similar properties. This amino acid position is not well conserved in available vertebrate species. In addition, this alteration is predicted to be tolerated by in silico analysis. Based on the available evidence, the clinical significance of this variant remains unclear.

GeneDx
Classification: Uncertain significance. Last evaluated: 2023-10-17. Review status: criteria provided, single submitter. Criteria: GeneDx Variant Classification Process June 2021. Collection method: clinical testing. Allele origin: germline. Affected: yes.
Comment: Has not been previously published as pathogenic or benign to our knowledge; Not observed at significant frequency in large population cohorts (gnomAD); In silico analysis supports that this missense variant does not alter protein structure/function

Fulgent Genetics
Classification: Uncertain significance for Ehlers-Danlos syndrome, classic type, 2. Last evaluated: 2021-10-08. Review status: criteria provided, single submitter. Criteria: ACMG Guidelines, 2015. Collection method: clinical testing. Allele origin: unknown.

NM_000393.5(COL5A2):c.3341G>A (p.Arg1114Gln)

Gene: COL5A2 (collagen type V alpha 2 chain; minus strand). Cytogenetic location: 2q32.2.
Variant type: single nucleotide variant.
Coding change: c.3341G>A on transcript NM_000393.5 (MANE Select); coding-DNA position 3341, G replaced by A.
Protein change: p.Arg1114Gln; replaces arginine 1114 with glutamine.
Molecular consequence: missense variant.
Genome position (GRCh38, 1-based): chr2:189,045,201, C>T on the plus strand (G>A on the coding strand, the complement: COL5A2 is on the minus strand). VCF-style: chr2-189045201-C-T. GRCh37 (hg19) VCF-style: chr2-189909927-C-T.
Other names: short protein forms R1114Q.
Identifiers: ClinVar variation 333136 (VCV000333136.19), dbSNP rs377049803, ClinGen allele CA2022032.
Genomic context (GRCh38, chr2:189,045,201, plus strand): 5'-AGAAAACATTTTTTAAAAAACAAAAAAAGAGAACTTACAGGTAATCCACGTTTCCCAGCT[C>T]GACCAGGTGGTCCTATAGGACCCCGAGAACCCTAAAAGAAATTTACAACAAAAAAAATTG-3'
Protein context (NP_000384.2, residues 1104-1124): GSRGPIGPPG[Arg1114Gln]AGKRGLPGPQ